The following is an entry in ClinVar:

NM_001458.5(FLNC):c.5323G>A (p.Val1775Met)

Genes: FLNC-AS1 (FLNC antisense RNA 1; minus strand), FLNC (filamin C; plus strand). Cytogenetic location: 7q32.1.
Variant type: single nucleotide variant.
Coding change: c.5323G>A on transcript NM_001458.5 (MANE Select); coding-DNA position 5323, G replaced by A.
Protein change: p.Val1775Met; replaces valine 1775 with methionine.
Molecular consequence: missense variant.
Genome position (GRCh38, 1-based): chr7:128,850,408, G>A. VCF-style: chr7-128850408-G-A. GRCh37 (hg19) VCF-style: chr7-128490462-G-A.
Other names: c.5224G>A, p.Val1742Met (NM_001127487.2); short protein forms V1775M, V1742M.
Identifiers: ClinVar variation 2926662 (VCV002926662.4), dbSNP rs1239246149, ClinGen allele CA369204994.

ClinVar aggregate classification (germline): Uncertain significance. Review status: criteria provided, multiple submitters, no conflicts (2 of 4 stars). 3 submissions from 3 submitters: Uncertain significance (3). Last evaluated 2026-06-18.

Conditions:
Cardiovascular phenotype. Identifiers: MedGen CN230736.
Myofibrillar myopathy 5. Also called: Filaminopathy (type); FILAMINOPATHY, AUTOSOMAL DOMINANT. Identifiers: Orphanet 171445, MedGen C1836050, MONDO:0012289, OMIM 609524.
Hypertrophic cardiomyopathy 26. Also called: Cardiomyopathy, familial hypertrophic, 26. Identifiers: Orphanet 75249, MedGen C4310749, MONDO:0014883, OMIM 617047.
Dilated Cardiomyopathy, Dominant.
Distal myopathy with posterior leg and anterior hand involvement. Also called: WILLIAMS DISTAL MYOPATHY. Identifiers: Orphanet 63273, MedGen C3279722, MONDO:0013550, OMIM 614065.

gnomAD v4.1: 1 of 1,614,048 alleles (0.000062%); no homozygotes.

Submissions (3):

Ambry Genetics
Classification: Uncertain significance for Cardiovascular phenotype. Last evaluated: 2026-06-18. Review status: criteria provided, single submitter. Criteria: Ambry Variant Classification Scheme 2023. Collection method: clinical testing. Allele origin: germline.
Comment: The p.V1775M variant (also known as c.5323G>A), located in coding exon 32 of the FLNC gene, results from a G to A substitution at nucleotide position 5323. The valine at codon 1775 is replaced by methionine, an amino acid with highly similar properties. This amino acid position is conserved. In addition, this alteration is predicted to be tolerated by in silico analysis. Based on the available evidence, the clinical significance of this variant remains unclear.

GeneDx
Classification: Uncertain significance. Last evaluated: 2025-03-28. Review status: criteria provided, single submitter. Criteria: GeneDx Variant Classification Process June 2021. Collection method: clinical testing. Allele origin: germline. Affected: yes.
Comment: Has not been previously published as pathogenic or benign to our knowledge; Not observed at significant frequency in large population cohorts (gnomAD); In silico analysis indicates that this missense variant does not alter protein structure/function

Labcorp Genetics (formerly Invitae), Labcorp
Classification: Uncertain significance for Distal myopathy with posterior leg and anterior hand involvement; Myofibrillar myopathy 5; Hypertrophic cardiomyopathy 26. Last evaluated: 2024-04-09. Review status: criteria provided, single submitter. Criteria: Invitae Variant Classification Sherloc (09022015). Collection method: clinical testing. Allele origin: germline.
Comment: This sequence change replaces valine, which is neutral and non-polar, with methionine, which is neutral and non-polar, at codon 1775 of the FLNC protein (p.Val1775Met). This variant is not present in population databases (gnomAD no frequency). This variant has not been reported in the literature in individuals affected with FLNC-related conditions. Advanced modeling of protein sequence and biophysical properties (such as structural, functional, and spatial information, amino acid conservation, physicochemical variation, residue mobility, and thermodynamic stability) has been performed at Invitae for this missense variant, however the output from this modeling did not meet the statistical confidence thresholds required to predict the impact of this variant on FLNC protein function. In summary, the available evidence is currently insufficient to determine the role of this variant in disease. Therefore, it has been classified as a Variant of Uncertain Significance.